The following is an entry in ClinVar:

NM_019842.4(KCNQ5):c.2038A>G (p.Thr680Ala)

Gene: KCNQ5 (potassium voltage-gated channel subfamily Q member 5; plus strand). Cytogenetic location: 6q13.
Variant type: single nucleotide variant.
Coding change: c.2038A>G on transcript NM_019842.4 (MANE Select); coding-DNA position 2038, A replaced by G.
Protein change: p.Thr680Ala; replaces threonine 680 with alanine.
Molecular consequence: missense variant.
Genome position (GRCh38, 1-based): chr6:73,194,653, A>G. VCF-style: chr6-73194653-A-G. GRCh37 (hg19) VCF-style: chr6-73904376-A-G.
Other names: c.2011A>G, p.Thr671Ala (NM_001160130.2); c.2068A>G, p.Thr690Ala (NM_001160132.2); c.2095A>G, p.Thr699Ala (NM_001160133.2); c.1708A>G, p.Thr570Ala (NM_001160134.2); short protein forms T570A, T671A, T680A, T690A, T699A.
Identifiers: ClinVar variation 2500462 (VCV002500462.1), dbSNP rs1261932966, ClinGen allele CA364695049.

ClinVar aggregate classification (germline): Uncertain significance (1 of 4 stars; one submission).

Allele frequency attached by ClinVar (database versions not stated): TOPMed below 0.00001.

Submission:

GeneDx
Classification: Uncertain significance. Last evaluated: 2022-11-01. Review status: criteria provided, single submitter. Criteria: GeneDx Variant Classification Process June 2021. Collection method: clinical testing. Allele origin: germline. Affected: yes.
Comment: Not observed at significant frequency in large population cohorts (gnomAD); In silico analysis supports that this missense variant does not alter protein structure/function; Has not been previously published as pathogenic or benign to our knowledge